The following is an entry in ClinVar:

ClinVar aggregate classification (germline): Likely benign. Review status: criteria provided, multiple submitters, no conflicts (2 of 4 stars). 5 submissions from 5 submitters: Likely benign (4). 1 of the submissions does not count toward it. Last evaluated 2025-11-24.

Conditions:
Inborn genetic diseases. Identifiers: MedGen C0950123, MeSH D030342.
Dyskeratosis congenita. Identifiers: Orphanet 1775, MedGen C0265965, MONDO:0015780.
Dyskeratosis congenita, autosomal recessive 5 (DKCB5). Identifiers: MedGen C3554656, MONDO:0014076, OMIM 615190.
Pulmonary fibrosis and/or bone marrow failure, Telomere-related, 3. Also called: PULMONARY FIBROSIS AND/OR BONE MARROW FAILURE SYNDROME, TELOMERE-RELATED, 3. Identifiers: Orphanet 2032, MedGen C4225346, MONDO:0014613, OMIM 616373.

Allele frequency attached by ClinVar (database versions not stated): gnomAD below 0.00001 and 0.00005; TOPMed 0.00001; gnomAD exomes 0.00024; ExAC 0.00061.
gnomAD v4.1: 183 of 1,586,232 alleles (0.012%); highest among the groups gnomAD compares: South Asian, 0.18%; 5 homozygotes.

Submissions (5):

Labcorp Genetics (formerly Invitae), Labcorp
Classification: Likely benign for Dyskeratosis congenita, autosomal recessive 5; Pulmonary fibrosis and/or bone marrow failure, Telomere-related, 3. Last evaluated: 2025-11-24. Review status: criteria provided, single submitter. Criteria: Invitae Variant Classification Sherloc (09022015). Collection method: clinical testing. Allele origin: germline.

CeGaT Center for Human Genetics Tuebingen
Classification: Likely benign. Last evaluated: 2025-07-01. Review status: criteria provided, single submitter. Criteria: CeGaT Center For Human Genetics Tuebingen Variant Classification Criteria Version 2. Collection method: clinical testing. Allele origin: germline. Affected: yes. Observed: 3 variant alleles.
Comment: RTEL1: BP4, BP7

Blueprint Genetics
Classification: Likely benign. Last evaluated: 2024-11-07. Review status: criteria provided, single submitter. Criteria: ACMG Guidelines, 2015. Collection method: clinical testing. Allele origin: germline.

Ambry Genetics
Classification: Likely benign for Inborn genetic diseases. Last evaluated: 2021-12-16. Review status: criteria provided, single submitter. Criteria: Ambry Variant Classification Scheme 2023. Collection method: clinical testing. Allele origin: germline.

Natera, Inc.
Classification: Uncertain significance for Dyskeratosis congenita. Last evaluated: 2020-02-13. Review status: no assertion criteria provided. Collection method: clinical testing. Allele origin: germline. Not counted in ClinVar's aggregate classification.

NM_001283009.2(RTEL1):c.744C>T (p.Ile248=)

Genes: RTEL1 (regulator of telomere elongation helicase 1; plus strand), RTEL1-TNFRSF6B (RTEL1-TNFRSF6B readthrough (NMD candidate); plus strand). Cytogenetic location: 20q13.33.
Variant type: single nucleotide variant.
Coding change: c.744C>T on transcript NM_001283009.2 (MANE Select); coding-DNA position 744, C replaced by T.
Protein change: p.Ile248=; no amino-acid change (isoleucine 248 retained).
Molecular consequence: synonymous variant. On other transcripts: non-coding transcript variant (1).
Genome position (GRCh38, 1-based): chr20:63,672,600, C>T. VCF-style: chr20-63672600-C-T. GRCh37 (hg19) VCF-style: chr20-62303953-C-T.
Other names: c.75C>T, p.Ile25= (NM_001283010.1); c.744C>T, p.Ile248= (NM_016434.4); c.816C>T, p.Ile272= (NM_032957.5).
Identifiers: ClinVar variation 735489 (VCV000735489.45), dbSNP rs748518636, ClinGen allele CA9964423.